The following is an entry in ClinVar:

ClinVar aggregate classification (germline): Uncertain significance. Review status: criteria provided, multiple submitters, no conflicts (2 of 4 stars). 2 submissions from 2 submitters: Uncertain significance (2). Last evaluated 2025-04-09.

Conditions:
Dilated cardiomyopathy 1G (CMD1G). Identifiers: Orphanet 154, MedGen C1858763, MONDO:0011400, OMIM 604145.
Autosomal recessive limb-girdle muscular dystrophy type 2J (LGMDR10). Also called: Limb-girdle muscular dystrophy, type 2J; MUSCULAR DYSTROPHY, LIMB-GIRDLE, AUTOSOMAL RECESSIVE 10. Identifiers: Orphanet 140922, MedGen C1837342, MONDO:0012127, OMIM 608807.
Cardiovascular phenotype. Identifiers: MedGen CN230736.

Allele frequency attached by ClinVar (database versions not stated): gnomAD exomes below 0.00001.
gnomAD v4.1: 1 of 1,613,934 alleles (0.000062%); highest among the groups gnomAD compares: Non-Finnish European, 0.000085%; no homozygotes.

Submissions (2):

Molecular Diagnostic Laboratory for Inherited Cardiovascular Disease, Montreal Heart Institute
Classification: Uncertain significance for Cardiovascular phenotype. Last evaluated: 2025-04-09. Review status: criteria provided, single submitter. Criteria: ACMG Guidelines, 2015. Collection method: clinical testing. Allele origin: germline. Affected: yes.

Labcorp Genetics (formerly Invitae), Labcorp
Classification: Uncertain significance for Dilated cardiomyopathy 1G; Autosomal recessive limb-girdle muscular dystrophy type 2J. Last evaluated: 2022-08-15. Review status: criteria provided, single submitter. Criteria: Invitae Variant Classification Sherloc (09022015). Collection method: clinical testing. Allele origin: germline.
Comment: This sequence change falls in intron 34 of the TTN gene. It does not directly change the encoded amino acid sequence of the TTN protein. It affects a nucleotide within the consensus splice site. This variant is not present in population databases (gnomAD no frequency). This variant has not been reported in the literature in individuals affected with TTN-related conditions. ClinVar contains an entry for this variant (Variation ID: 570261). Variants that disrupt the consensus splice site are a relatively common cause of aberrant splicing (PMID: 17576681, 9536098). Algorithms developed to predict the effect of sequence changes on RNA splicing suggest that this variant may disrupt the consensus splice site. This variant is located in the I band of TTN (PMID: 25589632). Variants in this region may be clinically relevant, but have not been definitively shown to cause cardiomyopathy or neuromuscular disease (PMID: 27493940, 32778822). In summary, the available evidence is currently insufficient to determine the role of this variant in disease. Therefore, it has been classified as a Variant of Uncertain Significance.

Literature cited by the submitters: PubMed 17576681 (cited by Labcorp Genetics (formerly Invitae), Labcorp); PubMed 9536098 (cited by Labcorp Genetics (formerly Invitae), Labcorp); PubMed 25589632 (cited by Labcorp Genetics (formerly Invitae), Labcorp); PubMed 27493940 (cited by Labcorp Genetics (formerly Invitae), Labcorp); PubMed 32778822 (cited by Labcorp Genetics (formerly Invitae), Labcorp).

NM_001267550.2(TTN):c.8116+5G>A

Gene: TTN (titin; minus strand). Cytogenetic location: 2q31.2.
Variant type: single nucleotide variant.
Coding change: c.8116+5G>A on transcript NM_001267550.2 (MANE Select); 5 bases into the intron after coding-DNA position 8116, G replaced by A.
Molecular consequence: intron variant.
Genome position (GRCh38, 1-based): chr2:178,771,206, C>T on the plus strand (G>A on the coding strand, the complement: TTN is on the minus strand). VCF-style: chr2-178771206-C-T. GRCh37 (hg19) VCF-style: chr2-179635933-C-T.
Other names: c.7978+5G>A (NM_003319.4, NM_133437.4, NM_133432.3); c.8116+5G>A (NM_133378.4, NM_001256850.1, NM_133379.5).
Identifiers: ClinVar variation 570261 (VCV000570261.8), dbSNP rs1561231691, ClinGen allele CA891842531.